The following is an entry in ClinVar:

NM_014314.4(RIGI):c.2316C>G (p.Asp772Glu)

Gene: RIGI (RNA sensor RIG-I; minus strand). Cytogenetic location: 9p21.1.
Variant type: single nucleotide variant.
Coding change: c.2316C>G on transcript NM_014314.4 (MANE Select); coding-DNA position 2316, C replaced by G.
Protein change: p.Asp772Glu; replaces aspartic acid 772 with glutamic acid.
Molecular consequence: missense variant.
Genome position (GRCh38, 1-based): chr9:32,466,311, G>C on the plus strand (C>G on the coding strand, the complement: RIGI is on the minus strand). VCF-style: chr9-32466311-G-C. GRCh37 (hg19) VCF-style: chr9-32466309-G-C.
Other names: c.2310C>G, p.Asp770Glu (NM_001385907.1); c.2145C>G, p.Asp715Glu (NM_001385909.1); c.1875C>G, p.Asp625Glu (NM_001385910.1); c.1707C>G, p.Asp569Glu (NM_001385912.1); c.2301C>G, p.Asp767Glu (NM_001385913.1); c.1872C>G, p.Asp624Glu (NM_001385914.1); short protein forms D625E, D715E, D770E, D624E, D772E, D569E, D767E.
Identifiers: ClinVar variation 1923139 (VCV001923139.5), dbSNP rs372312705, ClinGen allele CA192358734.
Genomic context (GRCh38, chr9:32,466,311, plus strand): 5'-TATTTATGGTCAGATGCTGGAAGAATAACGTAGACTTACCTTTTCCCTAAATACTGCTTC[G>C]TCCCATGTCTGAAGGCGTAAAATAGAGTCATTCATCATTTTTTCTTTGTACATGTTTATT-3'
Protein context (NP_055129.2, residues 762-782): NDSILRLQTW[Asp772Glu]EAVFREKILH

ClinVar aggregate classification (germline): Uncertain significance (1 of 4 stars; one submission).

gnomAD v4.1: 1 of 1,613,672 alleles (0.000062%); highest among the groups gnomAD compares: Non-Finnish European, 0.000085%; no homozygotes.

Submission:

Labcorp Genetics (formerly Invitae), Labcorp
Classification: Uncertain significance. Last evaluated: 2022-07-09. Review status: criteria provided, single submitter. Criteria: Invitae Variant Classification Sherloc (09022015). Collection method: clinical testing. Allele origin: germline.
Comment: Algorithms developed to predict the effect of missense changes on protein structure and function (SIFT, PolyPhen-2, Align-GVGD) all suggest that this variant is likely to be tolerated. This variant has not been reported in the literature in individuals affected with DDX58-related conditions. This variant is not present in population databases (gnomAD no frequency). This sequence change replaces aspartic acid, which is acidic and polar, with glutamic acid, which is acidic and polar, at codon 772 of the DDX58 protein (p.Asp772Glu). In summary, the available evidence is currently insufficient to determine the role of this variant in disease. Therefore, it has been classified as a Variant of Uncertain Significance.